The following is an entry in ClinVar:

ClinVar aggregate classification (germline): Pathogenic (1 of 4 stars; one submission).

Conditions:
Bardet-Biedl syndrome (BBS). Identifiers: Orphanet 110, MedGen C0752166, MONDO:0015229.

Submission:

Labcorp Genetics (formerly Invitae), Labcorp
Classification: Pathogenic for Bardet-Biedl syndrome. Last evaluated: 2023-04-19. Review status: criteria provided, single submitter. Criteria: Invitae Variant Classification Sherloc (09022015). Collection method: clinical testing. Allele origin: germline.
Comment: This variant has not been reported in the literature in individuals affected with BBS2-related conditions. For these reasons, this variant has been classified as Pathogenic. This variant is not present in population databases (gnomAD no frequency). This sequence change creates a premature translational stop signal (p.Trp156*) in the BBS2 gene. It is expected to result in an absent or disrupted protein product. Loss-of-function variants in BBS2 are known to be pathogenic (PMID: 11285252, 20177705, 24608809, 26518167).

Literature cited by the submitters: PubMed 11285252; PubMed 20177705; PubMed 24608809; PubMed 26518167.

NM_031885.5(BBS2):c.468del (p.Phe155_Trp156insTer)

Gene: BBS2 (Bardet-Biedl syndrome 2; minus strand). Cytogenetic location: 16q13.
Variant type: Deletion.
Coding change: c.468del on transcript NM_031885.5 (MANE Select); coding-DNA position 468, one base deleted (G; older notation c.468delG).
Protein change: p.Phe155_Trp156insTer.
Molecular consequence: nonsense. On other transcripts: non-coding transcript variant (5).
Genome position (GRCh38, 1-based): chr16:56,511,162, C deleted on the plus strand (G on the coding strand, the reverse complement: BBS2 is on the minus strand); the first of 2 consecutive C bases (chr16:56,511,162-56,511,163); deleting either gives the same sequence. VCF-style (leftmost placement, unchanged base first): chr16-56511161-TC-T. GRCh37 (hg19) VCF-style: chr16-56545073-TC-T.
Other names: c.468del, p.Phe155_Trp156insTer (NM_001377456.1).
Identifiers: ClinVar variation 2857801 (VCV002857801.3), dbSNP rs2543733239, ClinGen allele CA2739265497.